The following is an entry in ClinVar:

NM_001723.7(DST):c.7294G>C (p.Asp2432His)

Gene: DST (dystonin; minus strand). Cytogenetic location: 6p12.1.
Variant type: single nucleotide variant.
Coding change: c.7294G>C on transcript NM_001723.7 (MANE Plus Clinical); coding-DNA position 7294, G replaced by C.
Protein change: p.Asp2432His; replaces aspartic acid 2432 with histidine.
Molecular consequence: missense variant. On other transcripts: intron variant (10).
Genome position (GRCh38, 1-based): chr6:56,616,173, C>G on the plus strand (G>C on the coding strand, the complement: DST is on the minus strand). VCF-style: chr6-56616173-C-G. GRCh37 (hg19) VCF-style: chr6-56480971-C-G.
Other names: c.4831-1689G>C (NM_001144769.5); c.4930-1689G>C (NM_001374722.1, NM_001374736.1); c.4957-1689G>C (NM_001374734.1); c.4417-1689G>C (NM_001144770.2); c.4297-1689G>C (NM_001374730.1, NM_001386100.1, NM_183380.4 and 1 more transcripts); c.3319-1689G>C (NM_015548.5); short protein forms D2432H.
Identifiers: ClinVar variation 1440499 (VCV001440499.6), dbSNP rs143148236, ClinGen allele CA3869991.
Genomic context (GRCh38, chr6:56,616,173, plus strand): 5'-AATACCCTGCAACAGGACTGTGCAAATCTTTCTTGGGGACTAACCGGCTCAGCAAAGAAT[C>G]AGCAAGTTCTGTAAGTGTGATGAGGCCTTCCTGATACTTTTTGACCAAGGCTTTGTCAAT-3'
Protein context (NP_001714.1, residues 2422-2442): EGLITLTELA[Asp2432His]SLLSRLVPKK

ClinVar aggregate classification (germline): Uncertain significance (1 of 4 stars; one submission).

Conditions:
Epidermolysis bullosa simplex 3, localized or generalized intermediate, with BP230 deficiency (EBS3). Also called: Epidermolysis bullosa simplex due to BP230 deficiency; Epidermolysis bullosa simplex, autosomal recessive 2. Identifiers: Orphanet 412181, MedGen C3809470, MONDO:0014180, OMIM 615425.
Hereditary sensory and autonomic neuropathy type 6. Also called: HSAN VI; Neuropathy, hereditary sensory and autonomic, type VI. Identifiers: Orphanet 314381, MedGen C3539003, MONDO:0013839, OMIM 614653.

Allele frequency attached by ClinVar (database versions not stated): gnomAD exomes below 0.00001 and 0.00001; ExAC 0.00002; gnomAD 0.00003; ESP Exome Variant Server 0.00015.
gnomAD v4.1: 6 of 1,614,086 alleles (0.00037%); highest among the groups gnomAD compares: African/African-American, 0.0053%; no homozygotes.

Submission:

Labcorp Genetics (formerly Invitae), Labcorp
Classification: Uncertain significance for Epidermolysis bullosa simplex 3, localized or generalized intermediate, with BP230 deficiency; Hereditary sensory and autonomic neuropathy type 6. Last evaluated: 2020-10-26. Review status: criteria provided, single submitter. Criteria: Invitae Variant Classification Sherloc (09022015). Collection method: clinical testing. Allele origin: germline.
Comment: In summary, the available evidence is currently insufficient to determine the role of this variant in disease. Therefore, it has been classified as a Variant of Uncertain Significance. Algorithms developed to predict the effect of missense changes on protein structure and function (SIFT, PolyPhen-2, Align-GVGD) all suggest that this variant is likely to be disruptive, but these predictions have not been confirmed by published functional studies and their clinical significance is uncertain. This variant has not been reported in the literature in individuals with DST-related conditions. This variant is present in population databases (rs143148236, ExAC 0.02%). This sequence change replaces aspartic acid with histidine at codon 2432 of the DST protein (p.Asp2432His). The aspartic acid residue is highly conserved and there is a moderate physicochemical difference between aspartic acid and histidine.